The following is an entry in ClinVar:

ClinVar aggregate classification (germline): Conflicting classifications of pathogenicity. Review status: criteria provided, conflicting classifications (1 of 4 stars). 4 submissions from 4 submitters: Uncertain significance (3); Likely benign (1). Last evaluated 2025-07-07.

Conditions:
Malignant hyperthermia, susceptibility to, 5 (MHS5). Also called: CACNA1S-Related Malignant Hyperthermia Susceptibility. Identifiers: Orphanet 423, MedGen C1866077, MONDO:0011163, OMIM 601887.
Hypokalemic periodic paralysis, type 1. Also called: HypoPP; Hypokalemic Periodic Paralysis Type 1 (AD). Identifiers: Orphanet 681, MedGen C3714580, MONDO:0042979, OMIM 170400.

Allele frequency attached by ClinVar (database versions not stated): gnomAD exomes 0.00001; TOPMed 0.00002; ExAC 0.00003.
gnomAD v4.1: 8 of 1,613,386 alleles (0.0005%); highest among the groups gnomAD compares: Admixed American, 0.013%; no homozygotes.

Submissions (4):

Color Diagnostics, LLC DBA Color Health
Classification: Uncertain significance for Malignant hyperthermia, susceptibility to, 5. Last evaluated: 2025-07-07. Review status: criteria provided, single submitter. Criteria: ACMG Guidelines, 2015. Collection method: clinical testing. Allele origin: germline.
Comment: This missense variant replaces alanine with aspartic acid at codon 1587 of the CACNA1S protein. Computational prediction is inconclusive regarding the impact of this variant on protein structure and function. To our knowledge, functional studies have not been reported for this variant. This variant has not been reported in individuals affected with CACNA1S-related disorders in the literature. This variant has been identified in 9/251208 chromosomes in the general population by the Genome Aggregation Database (gnomAD). The available evidence is insufficient to determine the role of this variant in disease conclusively. Therefore, this variant is classified as a Variant of Uncertain Significance.

Labcorp Genetics (formerly Invitae), Labcorp
Classification: Likely benign for Hypokalemic periodic paralysis, type 1; Malignant hyperthermia, susceptibility to, 5. Last evaluated: 2025-02-02. Review status: criteria provided, single submitter. Criteria: Invitae Variant Classification Sherloc (09022015). Collection method: clinical testing. Allele origin: germline.

GeneDx
Classification: Uncertain significance. Last evaluated: 2024-12-24. Review status: criteria provided, single submitter. Criteria: GeneDx Variant Classification Process June 2021. Collection method: clinical testing. Allele origin: germline. Affected: yes.
Comment: In silico analysis supports that this missense variant has a deleterious effect on protein structure/function; Has not been previously published as pathogenic or benign to our knowledge

All of Us Research Program, National Institutes of Health
Classification: Uncertain significance for Malignant hyperthermia, susceptibility to, 5. Last evaluated: 2023-08-15. Review status: criteria provided, single submitter. Criteria: ACMG Guidelines, 2015. Collection method: clinical testing. Allele origin: germline. Inheritance: Autosomal dominant inheritance. Observed: 3 variant alleles, 3 heterozygotes.
Comment: This missense variant replaces alanine with aspartic acid at codon 1587 of the CACNA1S protein. Computational prediction is inconclusive regarding the impact of this variant on protein structure and function (internally defined REVEL score threshold 0.5 < inconclusive < 0.7, PMID: 27666373). To our knowledge, functional studies have not been reported for this variant. This variant has not been reported in individuals affected with CACNA1S-related disorders in the literature. This variant has been identified in 9/251208 chromosomes in the general population by the Genome Aggregation Database (gnomAD). The available evidence is insufficient to determine the role of this variant in disease conclusively. Therefore, this variant is classified as a Variant of Uncertain Significance.

This study involves interpretation of variants in research participants for the purpose of population health screening. Participant phenotype was not available at the time of variant classification. Additional details can be found in publication PMID: 35346344, PMCID: PMC8962531

NM_000069.3(CACNA1S):c.4760C>A (p.Ala1587Asp)

Gene: CACNA1S (calcium voltage-gated channel subunit alpha1 S; minus strand). Cytogenetic location: 1q32.1.
Variant type: single nucleotide variant.
Coding change: c.4760C>A on transcript NM_000069.3 (MANE Select); coding-DNA position 4760, C replaced by A.
Protein change: p.Ala1587Asp; replaces alanine 1587 with aspartic acid.
Molecular consequence: missense variant.
Genome position (GRCh38, 1-based): chr1:201,044,365, G>T on the plus strand (C>A on the coding strand, the complement: CACNA1S is on the minus strand). VCF-style: chr1-201044365-G-T. GRCh37 (hg19) VCF-style: chr1-201013493-G-T.
Other names: c.4760C>A (NM_000069.2); short protein forms A1587D.
Identifiers: ClinVar variation 1426457 (VCV001426457.9), dbSNP rs749495704, ClinGen allele CA083565.